The following is an entry in ClinVar:

NM_000051.4(ATM):c.976A>T (p.Ile326Leu)

Gene: ATM (ATM serine/threonine kinase; plus strand). Cytogenetic location: 11q22.3.
Variant type: single nucleotide variant.
Coding change: c.976A>T on transcript NM_000051.4 (MANE Select); coding-DNA position 976, A replaced by T.
Protein change: p.Ile326Leu; replaces isoleucine 326 with leucine.
Molecular consequence: missense variant.
Genome position (GRCh38, 1-based): chr11:108,247,038, A>T. VCF-style: chr11-108247038-A-T. GRCh37 (hg19) VCF-style: chr11-108117765-A-T.
Other names: c.976A>T, p.Ile326Leu (NM_001351834.2); short protein forms I326L.
Identifiers: ClinVar variation 823469 (VCV000823469.10), dbSNP rs1555068422, ClinGen allele CA382531105.

ClinVar aggregate classification (germline): Uncertain significance. Review status: criteria provided, multiple submitters, no conflicts (2 of 4 stars). 2 submissions from 2 submitters: Uncertain significance (2). Last evaluated 2025-08-07.

Conditions:
Hereditary cancer-predisposing syndrome. Also called: Hereditary Cancer Syndrome; Neoplastic Syndromes, Hereditary; Hereditary neoplastic syndrome; Tumor predisposition. Identifiers: Orphanet 140162, MedGen C0027672, MeSH D009386, MONDO:0015356.
Ataxia-telangiectasia syndrome (AT). Also called: Cerebello-oculocutaneous telangiectasia; Immunodeficiency with ataxia telangiectasia; Ataxia-telangiectasia, complementation group E; Ataxia-telangiectasia, complementation group D; AT, COMPLEMENTATION GROUP C; ATAXIA-TELANGIECTASIA, COMPLEMENTATION GROUP A. Identifiers: Orphanet 100, MedGen C0004135, MONDO:0008840, OMIM 208900.

Allele frequency attached by ClinVar (database versions not stated): gnomAD 0.00001.
gnomAD v4.1: 1 of 1,613,616 alleles (0.000062%); highest among the groups gnomAD compares: African/African-American, 0.0013%; no homozygotes.

Submissions (2):

Labcorp Genetics (formerly Invitae), Labcorp
Classification: Uncertain significance for Ataxia-telangiectasia syndrome. Last evaluated: 2025-08-07. Review status: criteria provided, single submitter. Criteria: Invitae Variant Classification Sherloc (09022015). Collection method: clinical testing. Allele origin: germline.
Comment: This sequence change replaces isoleucine, which is neutral and non-polar, with leucine, which is neutral and non-polar, at codon 326 of the ATM protein (p.Ile326Leu). This variant is not present in population databases (gnomAD no frequency). This variant has not been reported in the literature in individuals affected with ATM-related conditions. ClinVar contains an entry for this variant (Variation ID: 823469). Invitae Evidence Modeling of protein sequence and biophysical properties (such as structural, functional, and spatial information, amino acid conservation, physicochemical variation, residue mobility, and thermodynamic stability) indicates that this missense variant is not expected to disrupt ATM protein function with a negative predictive value of 95%. In summary, the available evidence is currently insufficient to determine the role of this variant in disease. Therefore, it has been classified as a Variant of Uncertain Significance.

Ambry Genetics
Classification: Uncertain significance for Hereditary cancer-predisposing syndrome. Last evaluated: 2019-12-19. Review status: criteria provided, single submitter. Criteria: Ambry Variant Classification Scheme 2023. Collection method: clinical testing. Allele origin: germline.
Comment: The p.I326L variant (also known as c.976A>T), located in coding exon 7 of the ATM gene, results from an A to T substitution at nucleotide position 976. The isoleucine at codon 326 is replaced by leucine, an amino acid with highly similar properties. This amino acid position is well conserved in available vertebrate species. In addition, this alteration is predicted to be tolerated by in silico analysis. Since supporting evidence is limited at this time, the clinical significance of this alteration remains unclear. Since supporting evidence is limited at this time, the clinical significance of this alteration remains unclear.